The following is an entry in ClinVar:

NM_000276.4(OCRL):c.1898C>T (p.Ser633Phe)

Gene: OCRL (OCRL inositol polyphosphate-5-phosphatase; plus strand). Cytogenetic location: Xq26.1.
Variant type: single nucleotide variant.
Coding change: c.1898C>T on transcript NM_000276.4 (MANE Select); coding-DNA position 1898, C replaced by T.
Protein change: p.Ser633Phe; replaces serine 633 with phenylalanine.
Molecular consequence: missense variant.
Genome position (GRCh38, 1-based): chrX:129,576,335, C>T. VCF-style: chrX-129576335-C-T. GRCh37 (hg19) VCF-style: chrX-128710312-C-T.
Other names: c.1901C>T, p.Ser634Phe (NM_001318784.2); c.1898C>T, p.Ser633Phe (NM_001587.4); short protein forms S634F, S633F.
Identifiers: ClinVar variation 2720971 (VCV002720971.3), dbSNP rs1373759867, ClinGen allele CA414620064.
Genomic context (GRCh38, chrX:129,576,335, plus strand): 5'-TGGAGGTTTTCCTATTACCATGTATCATCTCTTACATTTCAGATGAGACAGTGGACATTT[C>T]TCTTGATGTGTATGTCAGCAAAGACTCTGTAACCATCCTGAACTCGGGAGAAGATAAGAT-3'
Protein context (NP_000267.2, residues 623-643): YLEPNETVDI[Ser633Phe]LDVYVSKDSV

ClinVar aggregate classification (germline): Uncertain significance (1 of 4 stars; one submission).

Conditions:
Lowe syndrome (OCRL). Also called: LOWE OCULOCEREBRORENAL SYNDROME; PHOSPHATIDYLINOSITOL 4,5-BISPHOSPHATE 5-PHOSPHATASE DEFICIENCY; Oculocerebrorenal Syndrome. Identifiers: Orphanet 534, MedGen C0028860, MONDO:0010645, OMIM 309000.

Submission:

Labcorp Genetics (formerly Invitae), Labcorp
Classification: Uncertain significance for Lowe syndrome. Last evaluated: 2023-07-17. Review status: criteria provided, single submitter. Criteria: Invitae Variant Classification Sherloc (09022015). Collection method: clinical testing. Allele origin: germline.
Comment: This variant has not been reported in the literature in individuals affected with OCRL-related conditions. In summary, the available evidence is currently insufficient to determine the role of this variant in disease. Therefore, it has been classified as a Variant of Uncertain Significance. Advanced modeling of protein sequence and biophysical properties (such as structural, functional, and spatial information, amino acid conservation, physicochemical variation, residue mobility, and thermodynamic stability) performed at Invitae indicates that this missense variant is not expected to disrupt OCRL protein function. This variant is not present in population databases (gnomAD no frequency). This sequence change replaces serine, which is neutral and polar, with phenylalanine, which is neutral and non-polar, at codon 633 of the OCRL protein (p.Ser633Phe).